The following is an entry in ClinVar:

NM_001372044.2(SHANK3):c.3902G>A (p.Gly1301Glu)

Gene: SHANK3 (SH3 and multiple ankyrin repeat domains 3; plus strand). Cytogenetic location: 22q13.33.
Variant type: single nucleotide variant.
Coding change: c.3902G>A on transcript NM_001372044.2 (MANE Select); coding-DNA position 3902, G replaced by A.
Protein change: p.Gly1301Glu; replaces glycine 1301 with glutamic acid.
Molecular consequence: missense variant.
Genome position (GRCh38, 1-based): chr22:50,721,510, G>A. VCF-style: chr22-50721510-G-A. GRCh37 (hg19) VCF-style: chr22-51159938-G-A.
Other names: c.3677G>A, p.Gly1226Glu (NM_033517.1); short protein forms G1226E, G1301E.
Identifiers: ClinVar variation 3239544 (VCV003239544.19), dbSNP rs759559791.

ClinVar aggregate classification (germline): Uncertain significance (1 of 4 stars; one submission).

Submission:

CeGaT Center for Human Genetics Tuebingen
Classification: Uncertain significance. Last evaluated: 2024-05-01. Review status: criteria provided, single submitter. Criteria: CeGaT Center For Human Genetics Tuebingen Variant Classification Criteria Version 2. Collection method: clinical testing. Allele origin: germline. Affected: yes. Observed: 1 variant allele.
Comment: SHANK3: PM2, BP1, BP4